The following is an entry in ClinVar:

ClinVar aggregate classification (germline): Conflicting classifications of pathogenicity. Review status: criteria provided, conflicting classifications (1 of 4 stars). 2 submissions from 2 submitters: Uncertain significance (1); Benign (1). Last evaluated 2025-03-24.

Conditions:
Hereditary cancer-predisposing syndrome. Also called: Hereditary neoplastic syndrome; Tumor predisposition; Neoplastic Syndromes, Hereditary; Hereditary Cancer Syndrome. Identifiers: Orphanet 140162, MedGen C0027672, MeSH D009386, MONDO:0015356.
Familial thoracic aortic aneurysm and aortic dissection (TAAD). Also called: Thoracic aortic aneurysms and dissections. Identifiers: Orphanet 91387, MedGen C4707243, MONDO:0019625.
Juvenile polyposis/hereditary hemorrhagic telangiectasia syndrome (JPHT). Also called: Juvenile Polyposis Syndrome / Hereditary Hemorrhagic Telangiectasia (JPS/HHT); JP/HHT SYNDROME; JUVENILE POLYPOSIS WITH HEREDITARY HEMORRHAGIC TELANGIECTASIA; POLYPOSIS, GENERALIZED JUVENILE, WITH PULMONARY ARTERIOVENOUS MALFORMATION; TELANGIECTASIA, HEREDITARY HEMORRHAGIC, WITH JUVENILE POLYPOSIS COLI. Identifiers: Orphanet 2929, MedGen C1832942, MONDO:0008278, OMIM 175050.

Allele frequency attached by ClinVar (database versions not stated): gnomAD exomes below 0.00001.
gnomAD v4.1: 3 of 1,608,794 alleles (0.00019%); highest among the groups gnomAD compares: Non-Finnish European, 0.00026%; no homozygotes.

Submissions (2):

Myriad Genetics, Inc.
Classification: Benign for Juvenile polyposis/hereditary hemorrhagic telangiectasia syndrome. Last evaluated: 2025-03-24. Review status: criteria provided, single submitter. Criteria: Myriad Autosomal Dominant, Autosomal Recessive and X-Linked Classification Criteria (2023). Collection method: clinical testing. Allele origin: unknown.
Comment: This variant is considered benign. This variant occurs in the non-coding 3' untranslated region of the gene, and is not expected to impact protein function.

Ambry Genetics
Classification: Uncertain significance for Hereditary cancer-predisposing syndrome; Familial thoracic aortic aneurysm and aortic dissection. Last evaluated: 2016-08-01. Review status: criteria provided, single submitter. Criteria: Ambry Variant Classification Scheme 2023. Collection method: clinical testing. Allele origin: germline.
Comment: The c.*4C>A variant is located in the 3' untranslated region (3&rsquo; UTR) of the SMAD4 gene. This variant results from a C to A substitution the last translated codon. This variant was not reported in population based cohorts in the following databases: Database of Single Nucleotide Polymorphisms (dbSNP), NHLBI Exome Sequencing Project (ESP), and 1000 Genomes Project. In the ESP, this variant was not observed in 6503 samples (13006 alleles) with coverage at this position. To date, this alteration has been detected with an allele frequency of approximately 0.001% (greater than 85000 alleles tested) in our clinical cohort. This nucleotide position is well conserved in available vertebrate species. Since supporting evidence is limited at this time, the clinical significance of this alteration remains unclear.

NM_005359.6(SMAD4):c.*4C>A

Gene: SMAD4 (SMAD family member 4; plus strand). Cytogenetic location: 18q21.2.
Variant type: single nucleotide variant.
Coding change: c.*4C>A on transcript NM_005359.6 (MANE Select); 4 bases downstream of the stop codon, C replaced by A.
Molecular consequence: 3 prime UTR variant.
Genome position (GRCh38, 1-based): chr18:51,078,471, C>A. VCF-style: chr18-51078471-C-A. GRCh37 (hg19) VCF-style: chr18-48604841-C-A.
Identifiers: ClinVar variation 486984 (VCV000486984.6), dbSNP rs1555687625, ClinGen allele CA658658753.
Genomic context (GRCh38, chr18:51,078,471, plus strand): 5'-CTCCTAGACGAAGTACTTCATACCATGCCGATTGCAGACCCACAACCTTTAGACTGAGGT[C>A]TTTTACCGTTGGGGCCCTTAACCTTATCAGGATGGTGGACTACAAAATACAATCCTGTTT-3'